The following is an entry in ClinVar:

NM_005045.4(RELN):c.8500T>C (p.Phe2834Leu)

Genes: RELN (reelin; minus strand), SLC26A5-AS1 (SLC26A5 antisense RNA 1; plus strand). Cytogenetic location: 7q22.1.
Variant type: single nucleotide variant.
Coding change: c.8500T>C on transcript NM_005045.4 (MANE Select); coding-DNA position 8500, T replaced by C.
Protein change: p.Phe2834Leu; replaces phenylalanine 2834 with leucine.
Molecular consequence: missense variant.
Genome position (GRCh38, 1-based): chr7:103,500,912, A>G on the plus strand (T>C on the coding strand, the complement: RELN is on the minus strand). VCF-style: chr7-103500912-A-G. GRCh37 (hg19) VCF-style: chr7-103141359-A-G.
Other names: c.8500T>C, p.Phe2834Leu (NM_173054.3); short protein forms F2834L.
Identifiers: ClinVar variation 1718076 (VCV001718076.5), dbSNP rs2484709956, ClinGen allele CA368756212.

ClinVar aggregate classification (germline): Uncertain significance (1 of 4 stars; one submission).

Conditions:
Norman-Roberts syndrome (LIS2). Also called: Lissencephaly 2 (Norman-Roberts type). Identifiers: Orphanet 89844, MedGen C0796089, MONDO:0009760, OMIM 257320.
Familial temporal lobe epilepsy 7. Identifiers: Orphanet 101046, MedGen C4225327, MONDO:0014639, OMIM 616436.

Submission:

Labcorp Genetics (formerly Invitae), Labcorp
Classification: Uncertain significance for Familial temporal lobe epilepsy 7; Norman-Roberts syndrome. Last evaluated: 2022-08-29. Review status: criteria provided, single submitter. Criteria: Invitae Variant Classification Sherloc (09022015). Collection method: clinical testing. Allele origin: germline.
Comment: This variant has not been reported in the literature in individuals affected with RELN-related conditions. This variant is not present in population databases (gnomAD no frequency). This sequence change replaces phenylalanine, which is neutral and non-polar, with leucine, which is neutral and non-polar, at codon 2834 of the RELN protein (p.Phe2834Leu). Algorithms developed to predict the effect of missense changes on protein structure and function output the following: SIFT: "Tolerated"; PolyPhen-2: "Benign"; Align-GVGD: "Class C0". The leucine amino acid residue is found in multiple mammalian species, which suggests that this missense change does not adversely affect protein function. In summary, the available evidence is currently insufficient to determine the role of this variant in disease. Therefore, it has been classified as a Variant of Uncertain Significance.